The following is an entry in ClinVar:

NM_172107.4(KCNQ2):c.1709del (p.Gln570fs)

Gene: KCNQ2 (potassium voltage-gated channel subfamily Q member 2; minus strand). Cytogenetic location: 20q13.33.
Variant type: Deletion.
Coding change: c.1709del on transcript NM_172107.4 (MANE Select); coding-DNA position 1709, one base deleted (A; older notation c.1709delA).
Protein change: p.Gln570fs; shifts the reading frame from glutamine 570.
Molecular consequence: frameshift variant.
Genome position (GRCh38, 1-based): chr20:63,413,504, T deleted on the plus strand (A on the coding strand, the reverse complement: KCNQ2 is on the minus strand). VCF-style (leftmost placement, unchanged base first): chr20-63413503-CT-C. GRCh37 (hg19) VCF-style: chr20-62044856-CT-C.
Other names: c.1625del, p.Gln542fs (NM_004518.6); c.1655del, p.Gln552fs (NM_172106.3); c.1616del, p.Gln539fs (NM_172108.5); short protein forms Q570fs, Q552fs, Q542fs, Q539fs.
Identifiers: ClinVar variation 545940 (VCV000545940.2), dbSNP rs1555853549, ClinGen allele CA658823780.
Genomic context (GRCh38, chr20:63,413,503, plus strand): 5'-CTCTTGCCTGGACTGCAGGCTCTTAATTCGGGACAGCATGTCCAGGTGGCCGGCTGAGTA[CT>C]GCTCGATGACGTCCATCACGTCGTAGGGCCGCAGGCTCTCCTTGAACTTCCGCTTGGACA-3'

ClinVar aggregate classification (germline): Pathogenic (1 of 4 stars; one submission).

Submission:

GeneDx
Classification: Pathogenic. Last evaluated: 2018-05-15. Review status: criteria provided, single submitter. Criteria: GeneDx Variant Classification (06012015). Collection method: clinical testing. Allele origin: germline. Affected: yes.
Comment: The c.1709delA pathogenic variant in the KCNQ2 gene causes a frameshift starting with codon Glutamine 570, changes this amino acid to an Arginine residue and creates a premature Stop codon at position 50 of the new reading frame, denoted p.Gln570ArgfsX50. This pathogenic variant is predicted to cause loss of normal protein function through protein truncation as the last 303 amino acids of the protein are lost and replaced with 49 incorrect amino acids. The c.1709delA variant is not observed in large population cohorts (Lek et al., 2016).